The following is an entry in ClinVar:

ClinVar aggregate classification (germline): Uncertain significance (1 of 4 stars; one submission).

Conditions:
Joubert syndrome 21 (JBTS21). Identifiers: MedGen C3810212, MONDO:0014288, OMIM 615636.

Allele frequency attached by ClinVar (database versions not stated): gnomAD exomes 0.00001.
gnomAD v4.1: 5 of 1,614,178 alleles (0.00031%); highest among the groups gnomAD compares: East Asian, 0.0089%; no homozygotes.

Submission:

Labcorp Genetics (formerly Invitae), Labcorp
Classification: Uncertain significance for Joubert syndrome 21. Last evaluated: 2022-11-22. Review status: criteria provided, single submitter. Criteria: Invitae Variant Classification Sherloc (09022015). Collection method: clinical testing. Allele origin: germline.
Comment: This variant is not present in population databases (gnomAD no frequency). In summary, the available evidence is currently insufficient to determine the role of this variant in disease. Therefore, it has been classified as a Variant of Uncertain Significance. Algorithms developed to predict the effect of missense changes on protein structure and function are either unavailable or do not agree on the potential impact of this missense change (SIFT: "Deleterious"; PolyPhen-2: "Probably Damaging"; Align-GVGD: "Class C0"). This variant has not been reported in the literature in individuals affected with CSPP1-related conditions. This sequence change replaces tryptophan, which is neutral and slightly polar, with arginine, which is basic and polar, at codon 1213 of the CSPP1 protein (p.Trp1213Arg).

NM_001382391.1(CSPP1):c.3652T>C (p.Trp1218Arg)

Genes: ARFGEF1 (ARF guanine nucleotide exchange factor 1; minus strand), CSPP1 (centrosome and spindle pole associated protein 1; plus strand). Cytogenetic location: 8q13.2.
Variant type: single nucleotide variant.
Coding change: c.3652T>C on transcript NM_001382391.1 (MANE Select); coding-DNA position 3652, T replaced by C.
Protein change: p.Trp1218Arg; replaces tryptophan 1218 with arginine.
Molecular consequence: missense variant. On other transcripts: 3 prime UTR variant (1), intron variant (2).
Genome position (GRCh38, 1-based): chr8:67,195,564, T>C. VCF-style: chr8-67195564-T-C. GRCh37 (hg19) VCF-style: chr8-68107799-T-C.
Other names: c.2602T>C, p.Trp868Arg (NM_001291339.2); c.3571T>C, p.Trp1191Arg (NM_001363131.2); c.3457T>C, p.Trp1153Arg (NM_001363132.2); c.3376T>C, p.Trp1126Arg (NM_001363133.2); c.3718T>C, p.Trp1240Arg (NM_001364869.1); c.3538T>C, p.Trp1180Arg (NM_001364870.1); c.3484T>C, p.Trp1162Arg (NM_001438330.1); c.*144T>C (NM_001438331.1); and 4 more; short protein forms W1180R, W1191R, W1218R, W1240R, W868R, W1213R, W1126R, W1153R.
Identifiers: ClinVar variation 2040352 (VCV002040352.4), dbSNP rs1837772697, ClinGen allele CA371204594.